The following is an entry in ClinVar:

ClinVar aggregate classification (germline): Uncertain significance (1 of 4 stars; one submission).

Conditions:
Atrioventricular septal defect 4 (AVSD4). Identifiers: MedGen C3280781, MONDO:0013747, OMIM 614430.

Submission:

Labcorp Genetics (formerly Invitae), Labcorp
Classification: Uncertain significance for Atrioventricular septal defect 4. Last evaluated: 2019-02-27. Review status: criteria provided, single submitter. Criteria: Invitae Variant Classification Sherloc (09022015). Collection method: clinical testing. Allele origin: germline.
Comment: This variant, c.1120_1122delTAC, results in the deletion of 1 amino acid(s) of the GATA4 protein (p.Tyr374del), but otherwise preserves the integrity of the reading frame. This variant is not present in population databases (ExAC no frequency). This variant has not been reported in the literature in individuals with GATA4-related disease. Experimental studies and prediction algorithms are not available for this variant, and the functional significance of the affected amino acid(s) is currently unknown. In summary, the available evidence is currently insufficient to determine the role of this variant in disease. Therefore, it has been classified as a Variant of Uncertain Significance.

NM_001308093.3(GATA4):c.1123_1125del (p.Tyr375del)

Gene: GATA4 (GATA binding protein 4). Cytogenetic location: 8p23.1.
Variant type: Deletion.
Coding change: c.1123_1125del on transcript NM_001308093.3 (MANE Select); coding-DNA positions 1123 to 1125, 3 bases deleted.
Protein change: p.Tyr375del; deletes tyrosine 375.
Molecular consequence: inframe deletion.
Genome position: GRCh38 VCF-style: chr8-11757054-CACT-C. GRCh37 (hg19) VCF-style: chr8-11614563-CACT-C.
Other names: c.502_504del, p.Tyr168del (NM_001308094.2, NM_001374273.1); c.376_378del, p.Tyr126del (NM_001374274.1); c.1120_1122del, p.Tyr374del (NM_002052.5); short protein forms Y374del, Y375del, Y168del, Y126del.
Identifiers: ClinVar variation 659130 (VCV000659130.2), dbSNP rs1585703515, ClinGen allele CA915945609.